The following is an entry in ClinVar:

ClinVar aggregate classification (germline): Conflicting classifications of pathogenicity. Review status: criteria provided, conflicting classifications (1 of 4 stars). 2 submissions from 2 submitters: Uncertain significance (1); Likely benign (1). Last evaluated 2026-09-08.

Conditions:
Hereditary cancer-predisposing syndrome. Also called: Hereditary Cancer Syndrome; Hereditary neoplastic syndrome; Neoplastic Syndromes, Hereditary; Tumor predisposition. Identifiers: Orphanet 140162, MedGen C0027672, MeSH D009386, MONDO:0015356.
Renal cell carcinoma. Identifiers: Orphanet 217071, MedGen C0007134, MeSH D002292, MONDO:0005086, HP:0005584.

Submissions (2):

Ambry Genetics
Classification: Likely benign for Hereditary cancer-predisposing syndrome. Last evaluated: 2026-09-08. Review status: criteria provided, single submitter. Criteria: Ambry Variant Classification Scheme 2023. Collection method: clinical testing. Allele origin: germline.

Labcorp Genetics (formerly Invitae), Labcorp
Classification: Uncertain significance for Renal cell carcinoma. Last evaluated: 2024-08-19. Review status: criteria provided, single submitter. Criteria: Invitae Variant Classification Sherloc (09022015). Collection method: clinical testing. Allele origin: germline.
Comment: This sequence change replaces tyrosine, which is neutral and polar, with histidine, which is basic and polar, at codon 84 of the MET protein (p.Tyr84His). This variant is not present in population databases (gnomAD no frequency). This variant has not been reported in the literature in individuals affected with MET-related conditions. ClinVar contains an entry for this variant (Variation ID: 2567661). Invitae Evidence Modeling of protein sequence and biophysical properties (such as structural, functional, and spatial information, amino acid conservation, physicochemical variation, residue mobility, and thermodynamic stability) indicates that this missense variant is not expected to disrupt MET protein function with a negative predictive value of 80%. In summary, the available evidence is currently insufficient to determine the role of this variant in disease. Therefore, it has been classified as a Variant of Uncertain Significance.

NM_000245.4(MET):c.250T>C (p.Tyr84His)

Gene: MET (MET proto-oncogene, receptor tyrosine kinase; plus strand). Cytogenetic location: 7q31.2.
Variant type: single nucleotide variant.
Coding change: c.250T>C on transcript NM_000245.4 (MANE Select); coding-DNA position 250, T replaced by C.
Protein change: p.Tyr84His; replaces tyrosine 84 with histidine.
Molecular consequence: missense variant. On other transcripts: intron variant (1).
Genome position (GRCh38, 1-based): chr7:116,699,334, T>C. VCF-style: chr7-116699334-T-C. GRCh37 (hg19) VCF-style: chr7-116339388-T-C.
Other names: c.250T>C, p.Tyr84His (NM_001127500.3, NM_001324401.3); c.-91+26757T>C (NM_001324402.2); short protein forms Y84H.
Identifiers: ClinVar variation 2567661 (VCV002567661.5), dbSNP rs2116583932, ClinGen allele CA368968661.